The following is an entry in ClinVar:

NM_205836.3(FBXO38):c.152T>C (p.Met51Thr)

Gene: FBXO38 (F-box protein 38; plus strand). Cytogenetic location: 5q32.
Variant type: single nucleotide variant.
Coding change: c.152T>C on transcript NM_205836.3 (MANE Select); coding-DNA position 152, T replaced by C.
Protein change: p.Met51Thr; replaces methionine 51 with threonine.
Molecular consequence: missense variant.
Genome position (GRCh38, 1-based): chr5:148,399,022, T>C. VCF-style: chr5-148399022-T-C. GRCh37 (hg19) VCF-style: chr5-147778585-T-C.
Other names: c.152T>C, p.Met51Thr (NM_001271723.2, NM_030793.5); short protein forms M51T.
Identifiers: ClinVar variation 4988531 (VCV004988531.1).

ClinVar aggregate classification (germline): Uncertain significance (1 of 4 stars; one submission).

Conditions:
FBXO38-related disorder. Also called: FBXO38-related condition.

Submission:

PreventionGenetics, part of Exact Sciences
Classification: Uncertain significance for FBXO38-related condition. Last evaluated: 2025-12-02. Review status: criteria provided, single submitter. Criteria: ACMG Guidelines, 2015. Collection method: clinical testing. Allele origin: germline.
Comment: The FBXO38 c.152T>C variant is predicted to result in the amino acid substitution p.Met51Thr. To our knowledge, this variant has not been reported in the literature. This variant is reported in 0.0050% of alleles in individuals of East Asian descent in gnomAD. At this time, the clinical significance of this variant is uncertain due to the absence of conclusive functional and genetic evidence.